The following is an entry in ClinVar:

NM_012193.4(FZD4):c.11G>A (p.Arg4Gln)

Genes: FZD4 (frizzled class receptor 4; minus strand), LOC130006561 (ATAC-STARR-seq lymphoblastoid silent region 3828; plus strand). Cytogenetic location: 11q14.2.
Variant type: single nucleotide variant.
Coding change: c.11G>A on transcript NM_012193.4 (MANE Select); coding-DNA position 11, G replaced by A.
Protein change: p.Arg4Gln; replaces arginine 4 with glutamine.
Molecular consequence: missense variant.
Genome position (GRCh38, 1-based): chr11:86,955,075, C>T on the plus strand (G>A on the coding strand, the complement: FZD4 is on the minus strand). VCF-style: chr11-86955075-C-T. GRCh37 (hg19) VCF-style: chr11-86666117-C-T.
Other names: short protein forms R4Q.
Identifiers: ClinVar variation 2783530 (VCV002783530.3), dbSNP rs2495875191, ClinGen allele CA382018675.
Genomic context (GRCh38, chr11:86,955,075, plus strand): 5'-AGCAACCCCAGACTGAGACCGACGCCCCCGGGCGCCCCCGGGACGCTCGGCCCTGCGCCC[C>T]GCCAGGCCATGGCCAGCATCGGGGGTAGCAGCGGCAGCGGCTGGGGCTGCTCTGGCAGAC-3'
Protein context (NP_036325.2, residues 1-14): MAW[Arg4Gln]GAGPSVPGAP

ClinVar aggregate classification (germline): Uncertain significance (1 of 4 stars; one submission).

Submission:

Labcorp Genetics (formerly Invitae), Labcorp
Classification: Uncertain significance. Last evaluated: 2023-12-30. Review status: criteria provided, single submitter. Criteria: Invitae Variant Classification Sherloc (09022015). Collection method: clinical testing. Allele origin: germline.
Comment: This sequence change replaces arginine, which is basic and polar, with glutamine, which is neutral and polar, at codon 4 of the FZD4 protein (p.Arg4Gln). This variant is not present in population databases (gnomAD no frequency). This variant has not been reported in the literature in individuals affected with FZD4-related conditions. Advanced modeling of protein sequence and biophysical properties (such as structural, functional, and spatial information, amino acid conservation, physicochemical variation, residue mobility, and thermodynamic stability) performed at Invitae indicates that this missense variant is not expected to disrupt FZD4 protein function with a negative predictive value of 80%. In summary, the available evidence is currently insufficient to determine the role of this variant in disease. Therefore, it has been classified as a Variant of Uncertain Significance.